The following is an entry in ClinVar:

ClinVar aggregate classification (germline): Likely benign. Review status: criteria provided, multiple submitters, no conflicts (2 of 4 stars). 2 submissions from 2 submitters: Likely benign (2). Last evaluated 2025-09-05.

gnomAD v4.1: 89 of 1,613,786 alleles (0.0055%); highest among the groups gnomAD compares: Non-Finnish European, 0.0069%; no homozygotes.

Submissions (3):

Mayo Clinic Laboratories, Mayo Clinic
Classification: Likely benign. Last evaluated: 2025-09-05. Review status: criteria provided, single submitter. Criteria: ACMG Guidelines, 2015. Collection method: clinical testing. Allele origin: germline. Observed: 2 variant alleles.
Comment: BP4, BP7

Labcorp Genetics (formerly Invitae), Labcorp
Classification: Likely benign. Last evaluated: 2023-12-07. Review status: criteria provided, single submitter. Criteria: Invitae Variant Classification Sherloc (09022015). Collection method: clinical testing. Allele origin: germline.

Dr. Peter K. Rogan Lab, Western University
No classification provided (evidence only). Condition: Thyroid cancer, nonmedullary, 1. Review status: no classification provided. Collection method: in vitro. Allele origin: not applicable. Functional consequence: retained intron. Not counted in ClinVar's aggregate classification.

NM_003632.3(CNTNAP1):c.2340C>T (p.Gly780=)

Gene: CNTNAP1 (contactin associated protein 1; plus strand). Cytogenetic location: 17q21.2.
Variant type: single nucleotide variant.
Coding change: c.2340C>T on transcript NM_003632.3 (MANE Select); coding-DNA position 2340, C replaced by T.
Protein change: p.Gly780=; no amino-acid change (glycine 780 retained).
Molecular consequence: synonymous variant.
Genome position (GRCh38, 1-based): chr17:42,691,507, C>T. VCF-style: chr17-42691507-C-T. GRCh37 (hg19) VCF-style: chr17-40843525-C-T.
Other names: p.Gly780=.
Identifiers: ClinVar variation 2900393 (VCV002900393.5), dbSNP rs141352323, ClinGen allele CA8582018.